The following is an entry in ClinVar:

NM_004370.6(COL12A1):c.7291G>A (p.Val2431Met)

Genes: COL12A1 (collagen type XII alpha 1 chain; minus strand), LOC126859712 (MED14-independent group 3 enhancer GRCh37_chr6:75828643-75829842; plus strand). Cytogenetic location: 6q13.
Variant type: single nucleotide variant.
Coding change: c.7291G>A on transcript NM_004370.6 (MANE Select); coding-DNA position 7291, G replaced by A.
Protein change: p.Val2431Met; replaces valine 2431 with methionine.
Molecular consequence: missense variant.
Genome position (GRCh38, 1-based): chr6:75,119,106, C>T on the plus strand (G>A on the coding strand, the complement: COL12A1 is on the minus strand). VCF-style: chr6-75119106-C-T. GRCh37 (hg19) VCF-style: chr6-75828822-C-T.
Other names: c.7291G>A, p.Val2431Met (NM_001424113.1); c.7270G>A, p.Val2424Met (NM_001424114.1); c.7018G>A, p.Val2340Met (NM_001424115.1); c.3799G>A, p.Val1267Met (NM_001424116.1, NM_080645.3); short protein forms V1267M, V2340M, V2424M, V2431M.
Identifiers: ClinVar variation 3757795 (VCV003757795.2).

ClinVar aggregate classification (germline): Uncertain significance (1 of 4 stars; one submission).

Conditions:
Ullrich congenital muscular dystrophy 2 (UCMD2). Identifiers: Orphanet 75840, MedGen C4225314, MONDO:0014654, OMIM 616470.
Bethlem myopathy 2 (BTHLM2). Identifiers: Orphanet 536516, Orphanet 610, MedGen C4225313, MONDO:0034022, OMIM 616471.

Submission:

Labcorp Genetics (formerly Invitae), Labcorp
Classification: Uncertain significance for Bethlem myopathy 2; Ullrich congenital muscular dystrophy 2. Last evaluated: 2024-08-21. Review status: criteria provided, single submitter. Criteria: Invitae Variant Classification Sherloc (09022015). Collection method: clinical testing. Allele origin: germline.
Comment: This sequence change replaces valine, which is neutral and non-polar, with methionine, which is neutral and non-polar, at codon 2431 of the COL12A1 protein (p.Val2431Met). This variant is not present in population databases (gnomAD no frequency). This variant has not been reported in the literature in individuals affected with COL12A1-related conditions. Invitae Evidence Modeling of protein sequence and biophysical properties (such as structural, functional, and spatial information, amino acid conservation, physicochemical variation, residue mobility, and thermodynamic stability) has been performed for this missense variant. However, the output from this modeling did not meet the statistical confidence thresholds required to predict the impact of this variant on COL12A1 protein function. In summary, the available evidence is currently insufficient to determine the role of this variant in disease. Therefore, it has been classified as a Variant of Uncertain Significance.